The following is an entry in ClinVar:

NM_000238.4(KCNH2):c.2306T>G (p.Leu769Arg)

Gene: KCNH2 (potassium voltage-gated channel subfamily H member 2; minus strand). Cytogenetic location: 7q36.1.
Variant type: single nucleotide variant.
Coding change: c.2306T>G on transcript NM_000238.4 (MANE Select); coding-DNA position 2306, T replaced by G.
Protein change: p.Leu769Arg; replaces leucine 769 with arginine.
Molecular consequence: missense variant. On other transcripts: non-coding transcript variant (2).
Genome position (GRCh38, 1-based): chr7:150,950,260, A>C on the plus strand (T>G on the coding strand, the complement: KCNH2 is on the minus strand). VCF-style: chr7-150950260-A-C. GRCh37 (hg19) VCF-style: chr7-150647348-A-C.
Other names: c.1286T>G, p.Leu429Arg (NM_001204798.2, NM_172057.3); c.2018T>G, p.Leu673Arg (NM_001406753.1, NM_001406756.1); c.2129T>G, p.Leu710Arg (NM_001406755.1); c.2006T>G, p.Leu669Arg (NM_001406757.1); c.2306T>G, p.Leu769Arg (NM_172056.3); short protein forms L673R, L769R, L710R, L429R, L669R.
Identifiers: ClinVar variation 3656026 (VCV003656026.2).

ClinVar aggregate classification (germline): Uncertain significance (1 of 4 stars; one submission).

Conditions:
Long QT syndrome (LQTS). Identifiers: MedGen C0023976, MeSH D008133, MONDO:0002442. Disease mechanism: loss of function. Inheritance: Various modes of inheritance.

Submission:

Labcorp Genetics (formerly Invitae), Labcorp
Classification: Uncertain significance for Long QT syndrome. Last evaluated: 2024-06-09. Review status: criteria provided, single submitter. Criteria: Invitae Variant Classification Sherloc (09022015). Collection method: clinical testing. Allele origin: germline.
Comment: This sequence change replaces leucine, which is neutral and non-polar, with arginine, which is basic and polar, at codon 769 of the KCNH2 protein (p.Leu769Arg). This variant is not present in population databases (gnomAD no frequency). This variant has not been reported in the literature in individuals affected with KCNH2-related conditions. An algorithm developed to predict the effect of missense changes on protein structure and function (PolyPhen-2) suggests that this variant is likely to be disruptive. In summary, the available evidence is currently insufficient to determine the role of this variant in disease. Therefore, it has been classified as a Variant of Uncertain Significance.